The following is an entry in ClinVar:

ClinVar aggregate classification (germline): Uncertain significance (1 of 4 stars; one submission).

Conditions:
Progressive myoclonic epilepsy type 5. Identifiers: Orphanet 402082, MedGen C5190799.

Allele frequency attached by ClinVar (database versions not stated): gnomAD exomes below 0.00001.
gnomAD v4.1: 1 of 1,595,442 alleles (0.000063%); highest among the groups gnomAD compares: Admixed American, 0.0017%; no homozygotes.

Submission:

Labcorp Genetics (formerly Invitae), Labcorp
Classification: Uncertain significance for Progressive myoclonic epilepsy type 5. Last evaluated: 2020-02-21. Review status: criteria provided, single submitter. Criteria: Invitae Variant Classification Sherloc (09022015). Collection method: clinical testing. Allele origin: germline.
Comment: This sequence change falls in intron 3 of the PRICKLE2 gene. It does not directly change the encoded amino acid sequence of the PRICKLE2 protein, but it affects a nucleotide within the consensus splice site of the intron. This variant is not present in population databases (ExAC no frequency). This variant has not been reported in the literature in individuals with PRICKLE2-related conditions. Nucleotide substitutions within the consensus splice site are a relatively common cause of aberrant splicing (PMID: 17576681, 9536098). Algorithms developed to predict the effect of sequence changes on RNA splicing suggest that this variant may disrupt the consensus splice site, but this prediction has not been confirmed by published transcriptional studies. In summary, the available evidence is currently insufficient to determine the role of this variant in disease. Therefore, it has been classified as a Variant of Uncertain Significance.

Literature cited by the submitters: PubMed 17576681; PubMed 9536098.

NM_198859.4(PRICKLE2):c.258+5G>A

Gene: PRICKLE2 (prickle planar cell polarity protein 2; minus strand). Cytogenetic location: 3p14.1.
Variant type: single nucleotide variant.
Coding change: c.258+5G>A on transcript NM_198859.4 (MANE Select); 5 bases into the intron after coding-DNA position 258, G replaced by A.
Molecular consequence: intron variant.
Genome position (GRCh38, 1-based): chr3:64,163,011, C>T on the plus strand (G>A on the coding strand, the complement: PRICKLE2 is on the minus strand). VCF-style: chr3-64163011-C-T. GRCh37 (hg19) VCF-style: chr3-64148687-C-T.
Other names: c.258+5G>A (NM_001370528.1).
Identifiers: ClinVar variation 1054044 (VCV001054044.5), dbSNP rs1368875653, ClinGen allele CA543097472.